The following is an entry in ClinVar:

ClinVar aggregate classification (germline): Likely pathogenic (1 of 4 stars; one submission).

Conditions:
Cone-rod dystrophy and hearing loss 2 (CRDHL2). Identifiers: MedGen C5193051, MONDO:0020780, OMIM 618358.

gnomAD v4.1: 2 of 1,613,804 alleles (0.00012%); highest among the groups gnomAD compares: Admixed American, 0.0017%; no homozygotes.

Submission:

Juno Genomics, Hangzhou Juno Genomics, Inc
Classification: Likely pathogenic for Cone-rod dystrophy and hearing loss 2. Review status: criteria provided, single submitter. Criteria: ACMG Guidelines, 2015. Collection method: clinical testing. Allele origin: germline.
Comment: Null variant in a gene where loss of function (LOF) is a known mechanism of disease.;Absent from controls (or at extremely low frequency if recessive) in Genome Aggregation Database.

NM_007186.6(CEP250):c.5404C>T (p.Gln1802Ter)

Gene: CEP250 (centrosomal protein 250; plus strand). Cytogenetic location: 20q11.22.
Variant type: single nucleotide variant.
Coding change: c.5404C>T on transcript NM_007186.6 (MANE Select); coding-DNA position 5404, C replaced by T.
Protein change: p.Gln1802Ter; replaces glutamine 1802 with a stop codon.
Molecular consequence: nonsense.
Genome position (GRCh38, 1-based): chr20:35,503,773, C>T. VCF-style: chr20-35503773-C-T. GRCh37 (hg19) VCF-style: chr20-34091601-C-T.
Other names: c.3508C>T, p.Gln1170Ter (NM_001318219.1); short protein forms Q1170*, Q1802*.
Identifiers: ClinVar variation 5006374 (VCV005006374.2).